The following is an entry in ClinVar:

ClinVar aggregate classification (germline): Benign. Review status: criteria provided, multiple submitters, no conflicts (2 of 4 stars). 2 submissions from 2 submitters: Benign (2). Last evaluated 2018-06-16.

Allele frequency attached by ClinVar (database versions not stated): gnomAD exomes 0.00316; gnomAD 0.02610 and 0.02797; TOPMed 0.02962; 1000 Genomes Project 0.03554; 1000 Genomes Project 30x 0.03670.

Submissions (2):

GeneDx
Classification: Benign. Last evaluated: 2018-06-16. Review status: criteria provided, single submitter. Criteria: GeneDx Variant Classification (06012015). Collection method: clinical testing. Allele origin: germline. Affected: yes.
Comment: This variant is considered likely benign or benign based on one or more of the following criteria: it is a conservative change, it occurs at a poorly conserved position in the protein, it is predicted to be benign by multiple in silico algorithms, and/or has population frequency not consistent with disease.

Breakthrough Genomics
Classification: Benign. Review status: criteria provided, single submitter. Criteria: ACMG Guidelines, 2015. Collection method: not provided. Allele origin: germline. Inheritance: Autosomal dominant inheritance. Affected: yes.

NM_024009.3(GJB3):c.-25-46A>G

Gene: GJB3 (gap junction protein beta 3; plus strand). Cytogenetic location: 1p34.3.
Variant type: single nucleotide variant.
Coding change: c.-25-46A>G on transcript NM_024009.3 (MANE Select); 46 bases into the intron before 25 bases upstream of the start codon, A replaced by G.
Molecular consequence: intron variant.
Genome position (GRCh38, 1-based): chr1:34,784,692, A>G. VCF-style: chr1-34784692-A-G. GRCh37 (hg19) VCF-style: chr1-35250293-A-G.
Other names: c.-25-46A>G (NM_001005752.2).
Identifiers: ClinVar variation 672974 (VCV000672974.2), dbSNP rs76376530, ClinGen allele CA20570747.
Genomic context (GRCh38, chr1:34,784,692, plus strand): 5'-GTGAGTATTGAACAAGTCAGAACTCAGAACACTGCCTGGTACATAGTAAATGCTCAATAA[A>G]GTCACCTATTCATTCATACGATGGTTTTTCCTCTAATTCTCTCAGGTAGGCACGGCCCCC-3'